The following is an entry in ClinVar:

NM_001105206.3(LAMA4):c.2600C>A (p.Pro867His)

Gene: LAMA4 (laminin subunit alpha 4; minus strand). Cytogenetic location: 6q21.
Variant type: single nucleotide variant.
Coding change: c.2600C>A on transcript NM_001105206.3 (MANE Select); coding-DNA position 2600, C replaced by A.
Protein change: p.Pro867His; replaces proline 867 with histidine.
Molecular consequence: missense variant.
Genome position (GRCh38, 1-based): chr6:112,142,186, G>T on the plus strand (C>A on the coding strand, the complement: LAMA4 is on the minus strand). VCF-style: chr6-112142186-G-T. GRCh37 (hg19) VCF-style: chr6-112463388-G-T.
Other names: c.2579C>A, p.Pro860His (NM_001105207.3, NM_002290.5); c.2579C>A (NM_002290.3); short protein forms P860H, P867H.
Identifiers: ClinVar variation 1474423 (VCV001474423.7), dbSNP rs1309469746, ClinGen allele CA365381769.

ClinVar aggregate classification (germline): Uncertain significance. Review status: criteria provided, multiple submitters, no conflicts (2 of 4 stars). 2 submissions from 2 submitters: Uncertain significance (2). Last evaluated 2024-01-27.

Conditions:
Dilated cardiomyopathy 1JJ (CMD1JJ). Identifiers: Orphanet 154, MedGen C3808935, MONDO:0014095, OMIM 615235.
Cardiovascular phenotype. Identifiers: MedGen CN230736.

Allele frequency attached by ClinVar (database versions not stated): gnomAD exomes below 0.00001; gnomAD 0.00001; TOPMed 0.00001.

Submissions (2):

Ambry Genetics
Classification: Uncertain significance for Cardiovascular phenotype. Last evaluated: 2024-01-27. Review status: criteria provided, single submitter. Criteria: Ambry Variant Classification Scheme 2023. Collection method: clinical testing. Allele origin: germline.
Comment: The p.P860H variant (also known as c.2579C>A), located in coding exon 19 of the LAMA4 gene, results from a C to A substitution at nucleotide position 2579. The proline at codon 860 is replaced by histidine, an amino acid with similar properties. This amino acid position is conserved. In addition, this alteration is predicted to be tolerated by in silico analysis. Based on the available evidence, the clinical significance of this alteration remains unclear.

Labcorp Genetics (formerly Invitae), Labcorp
Classification: Uncertain significance for Dilated cardiomyopathy 1JJ. Last evaluated: 2022-07-15. Review status: criteria provided, single submitter. Criteria: Invitae Variant Classification Sherloc (09022015). Collection method: clinical testing. Allele origin: germline.
Comment: Algorithms developed to predict the effect of missense changes on protein structure and function are either unavailable or do not agree on the potential impact of this missense change (SIFT: "Deleterious"; PolyPhen-2: "Benign"; Align-GVGD: "Class C0"). In summary, the available evidence is currently insufficient to determine the role of this variant in disease. Therefore, it has been classified as a Variant of Uncertain Significance. ClinVar contains an entry for this variant (Variation ID: 1474423). This variant has not been reported in the literature in individuals affected with LAMA4-related conditions. This variant is present in population databases (no rsID available, gnomAD 0.004%). This sequence change replaces proline, which is neutral and non-polar, with histidine, which is basic and polar, at codon 860 of the LAMA4 protein (p.Pro860His).